The following is an entry in ClinVar:

ClinVar aggregate classification (germline): Uncertain significance (1 of 4 stars; one submission).

Conditions:
Cardiovascular phenotype. Identifiers: MedGen CN230736.

Submission:

Ambry Genetics
Classification: Uncertain significance for Cardiovascular phenotype. Last evaluated: 2022-12-25. Review status: criteria provided, single submitter. Criteria: Ambry Variant Classification Scheme 2023. Collection method: clinical testing. Allele origin: germline.
Comment: The p.S248W variant (also known as c.743C>G), located in coding exon 7 of the MAP2K2 gene, results from a C to G substitution at nucleotide position 743. The serine at codon 248 is replaced by tryptophan, an amino acid with highly dissimilar properties. This amino acid position is conserved. In addition, this alteration is predicted to be deleterious by in silico analysis. Since supporting evidence is limited at this time, the clinical significance of this alteration remains unclear.

NM_030662.4(MAP2K2):c.743C>G (p.Ser248Trp)

Gene: MAP2K2 (mitogen-activated protein kinase kinase 2; minus strand). Cytogenetic location: 19p13.3.
Variant type: single nucleotide variant.
Coding change: c.743C>G on transcript NM_030662.4 (MANE Select); coding-DNA position 743, C replaced by G.
Protein change: p.Ser248Trp; replaces serine 248 with tryptophan.
Molecular consequence: missense variant.
Genome position (GRCh38, 1-based): chr19:4,099,377, G>C on the plus strand (C>G on the coding strand, the complement: MAP2K2 is on the minus strand). VCF-style: chr19-4099377-G-C. GRCh37 (hg19) VCF-style: chr19-4099375-G-C.
Other names: short protein forms S248W.
Identifiers: ClinVar variation 2450614 (VCV002450614.2), dbSNP rs761669626, ClinGen allele CA403387739.
Genomic context (GRCh38, chr19:4,099,377, plus strand): 5'-GGGATGGGGTACCTTCCGACGGCCAGCTCCACCAGGGACAGGCCCATGCTCCAGATGTCC[G>C]ACTGCACCGAGTAATGTGTGCCCTGCAACCGCTCCGGCTGCAGCAGAGCCAGGGAGGAAA-3'
Protein context (NP_109587.1, residues 238-258): RLQGTHYSVQ[Ser248Trp]DIWSMGLSLV